The following is an entry in ClinVar:

NM_001258392.3(CLPB):c.497T>G (p.Leu166Arg)

Gene: CLPB (ClpB family mitochondrial disaggregase; minus strand). Cytogenetic location: 11q13.4.
Variant type: single nucleotide variant.
Coding change: c.497T>G on transcript NM_001258392.3 (MANE Select); coding-DNA position 497, T replaced by G.
Protein change: p.Leu166Arg; replaces leucine 166 with arginine.
Molecular consequence: missense variant. On other transcripts: intron variant (1).
Genome position (GRCh38, 1-based): chr11:72,403,011, A>C on the plus strand (T>G on the coding strand, the complement: CLPB is on the minus strand). VCF-style: chr11-72403011-A-C. GRCh37 (hg19) VCF-style: chr11-72114055-A-C.
Other names: c.362T>G, p.Leu121Arg (NM_001258394.3); c.497T>G, p.Leu166Arg (NM_030813.6); c.456-22627T>G (NM_001258393.3); short protein forms L166R, L121R.
Identifiers: ClinVar variation 1377604 (VCV001377604.8), dbSNP rs2135083426, ClinGen allele CA381964623.

ClinVar aggregate classification (germline): Uncertain significance (1 of 4 stars; one submission).

Conditions:
3-methylglutaconic aciduria, type VIIB (MGCA7B). Also called: CLPB Deficiency; 3-methylglutaconic aciduria with cataracts, neurologic involvement and neutropenia; 3-methylglutaconic aciduria, type VII, with cataracts, neurologic involvement and neutropenia. Identifiers: Orphanet 445038, MedGen C5676893, MONDO:0014561, OMIM 616271.

Submission:

Labcorp Genetics (formerly Invitae), Labcorp
Classification: Uncertain significance for 3-methylglutaconic aciduria, type VIIB. Last evaluated: 2021-01-30. Review status: criteria provided, single submitter. Criteria: Invitae Variant Classification Sherloc (09022015). Collection method: clinical testing. Allele origin: germline.
Comment: This sequence change replaces leucine with arginine at codon 166 of the CLPB protein (p.Leu166Arg). The leucine residue is highly conserved and there is a moderate physicochemical difference between leucine and arginine. This variant is not present in population databases (ExAC no frequency). This variant has not been reported in the literature in individuals with CLPB-related conditions. Algorithms developed to predict the effect of missense changes on protein structure and function are either unavailable or do not agree on the potential impact of this missense change (SIFT: "Deleterious"; PolyPhen-2: "Probably Damaging"; Align-GVGD: "Class C0"). In summary, the available evidence is currently insufficient to determine the role of this variant in disease. Therefore, it has been classified as a Variant of Uncertain Significance.